The following is an entry in ClinVar:

NM_001379451.1(BCORL1):c.1889G>T (p.Arg630Leu)

Gene: BCORL1 (BCL6 corepressor like 1; plus strand). Cytogenetic location: Xq26.1.
Variant type: single nucleotide variant.
Coding change: c.1889G>T on transcript NM_001379451.1 (MANE Select); coding-DNA position 1889, G replaced by T.
Protein change: p.Arg630Leu; replaces arginine 630 with leucine.
Molecular consequence: missense variant.
Genome position (GRCh38, 1-based): chrX:130,014,661, G>T. VCF-style: chrX-130014661-G-T. GRCh37 (hg19) VCF-style: chrX-129148637-G-T.
Other names: c.1889G>T, p.Arg630Leu (NM_001184772.3, NM_001379450.1, NM_021946.5); short protein forms R630L.
Identifiers: ClinVar variation 2629301 (VCV002629301.1), dbSNP rs143864671, ClinGen allele CA335102790.
Genomic context (GRCh38, chrX:130,014,661, plus strand): 5'-AGATGGCCTCTCCACCTGAGTGCAGCGAGATGCCCCTTGATCTGTCCTCCAAGTCCAACC[G>T]CCAGAAGCTTCCATTGCCGAACCAGCGCAAGACACCCCCCATGCCTGTGTTGACCCCCGT-3'
Protein context (NP_001366380.1, residues 620-640): MPLDLSSKSN[Arg630Leu]QKLPLPNQRK

ClinVar aggregate classification (germline): Uncertain significance (1 of 4 stars; one submission).

Conditions:
BCORL1-related disorder. Also called: BCORL1-related condition.

gnomAD v4.1: 19 of 1,208,887 alleles (0.0016%); highest among the groups gnomAD compares: African/African-American, 0.0035%; no homozygotes.

Submission:

PreventionGenetics, part of Exact Sciences
Classification: Uncertain significance for BCORL1-related condition. Last evaluated: 2022-12-19. Review status: criteria provided, single submitter. Criteria: ACMG Guidelines, 2015. Collection method: clinical testing. Allele origin: germline.
Comment: The BCORL1 c.1889G>T variant is predicted to result in the amino acid substitution p.Arg630Leu. To our knowledge, this variant has not been reported in the literature or in a large population database, indicating this variant is rare. At this time, the clinical significance of this variant is uncertain due to the absence of conclusive functional and genetic evidence.